The following is an entry in ClinVar:

NM_021020.5(LZTS1):c.1149+5G>A

Gene: LZTS1 (leucine zipper tumor suppressor 1; minus strand). Cytogenetic location: 8p21.3.
Variant type: single nucleotide variant.
Coding change: c.1149+5G>A on transcript NM_021020.5 (MANE Select); 5 bases into the intron after coding-DNA position 1149, G replaced by A.
Molecular consequence: intron variant.
Genome position (GRCh38, 1-based): chr8:20,252,777, C>T on the plus strand (G>A on the coding strand, the complement: LZTS1 is on the minus strand). VCF-style: chr8-20252777-C-T. GRCh37 (hg19) VCF-style: chr8-20110288-C-T.
Other names: c.1149+5G>A (NM_001362884.2).
Identifiers: ClinVar variation 2048571 (VCV002048571.4), dbSNP rs1437783453, ClinGen allele CA580942549.

ClinVar aggregate classification (germline): Uncertain significance (1 of 4 stars; one submission).

Allele frequency attached by ClinVar (database versions not stated): gnomAD 0.00001.
gnomAD v4.1: 1 of 1,510,398 alleles (0.000066%); highest among the groups gnomAD compares: Non-Finnish European, 0.000089%; no homozygotes.

Submission:

Labcorp Genetics (formerly Invitae), Labcorp
Classification: Uncertain significance. Last evaluated: 2024-09-17. Review status: criteria provided, single submitter. Criteria: Invitae Variant Classification Sherloc (09022015). Collection method: clinical testing. Allele origin: germline.
Comment: This sequence change falls in intron 2 of the LZTS1 gene. It does not directly change the encoded amino acid sequence of the LZTS1 protein. It affects a nucleotide within the consensus splice site. This variant is present in population databases (no rsID available, gnomAD 0.007%). This variant has not been reported in the literature in individuals affected with LZTS1-related conditions. ClinVar contains an entry for this variant (Variation ID: 2048571). Variants that disrupt the consensus splice site are a relatively common cause of aberrant splicing (PMID: 17576681, 9536098). Algorithms developed to predict the effect of sequence changes on RNA splicing suggest that this variant may disrupt the consensus splice site. In summary, the available evidence is currently insufficient to determine the role of this variant in disease. Therefore, it has been classified as a Variant of Uncertain Significance.

Literature cited by the submitters: PubMed 17576681; PubMed 9536098.